The following is an entry in ClinVar:

ClinVar aggregate classification (germline): Likely benign (0 of 4 stars; one submission).

Conditions:
HERC2-related disorder. Also called: HERC2-related condition.

Allele frequency attached by ClinVar (database versions not stated): gnomAD exomes below 0.00001; gnomAD 0.00001; ExAC 0.00002.

Submission:

PreventionGenetics, part of Exact Sciences
Classification: Likely benign for HERC2-related condition. Last evaluated: 2022-09-26. Review status: no assertion criteria provided. Collection method: clinical testing. Allele origin: germline.
Comment: This variant is classified as likely benign based on ACMG/AMP sequence variant interpretation guidelines (Richards et al. 2015 PMID: 25741868, with internal and published modifications).

NM_004667.6(HERC2):c.801-7A>G

Gene: HERC2 (HECT and RLD domain containing E3 ubiquitin protein ligase 2; minus strand). Cytogenetic location: 15q13.1.
Variant type: single nucleotide variant.
Coding change: c.801-7A>G on transcript NM_004667.6 (MANE Select); 7 bases into the intron before coding-DNA position 801, A replaced by G.
Molecular consequence: intron variant.
Genome position (GRCh38, 1-based): chr15:28,273,011, T>C on the plus strand (A>G on the coding strand, the complement: HERC2 is on the minus strand). VCF-style: chr15-28273011-T-C. GRCh37 (hg19) VCF-style: chr15-28518157-T-C.
Identifiers: ClinVar variation 3054118 (VCV003054118.2), dbSNP rs764924325, ClinGen allele CA267948606.
Genomic context (GRCh38, chr15:28,273,011, plus strand): 5'-TCCTGCAGGGGGATGCTTCCTGGCCCTTTGGTGGCTGGCGTTCCGTGAACATCCCTGAAA[T>C]GAAAGCAGTGGATGCAGGAACAAAGCAACCTCCAGAAAGACAGCATGCTTACAATCACAC-3'